The following is an entry in ClinVar:

NM_031263.4(HNRNPK):c.1074G>T (p.Gln358His)

Gene: HNRNPK (heterogeneous nuclear ribonucleoprotein K; minus strand). Cytogenetic location: 9q21.32.
Variant type: single nucleotide variant.
Coding change: c.1074G>T on transcript NM_031263.4 (MANE Select); coding-DNA position 1074, G replaced by T.
Protein change: p.Gln358His; replaces glutamine 358 with histidine.
Molecular consequence: missense variant.
Genome position (GRCh38, 1-based): chr9:83,971,291, C>A on the plus strand (G>T on the coding strand, the complement: HNRNPK is on the minus strand). VCF-style: chr9-83971291-C-A. GRCh37 (hg19) VCF-style: chr9-86586206-C-A.
Other names: c.1002G>T, p.Gln334His (NM_001318186.2, NM_001318187.2); c.1074G>T, p.Gln358His (NM_001318188.2, NM_002140.5, NM_031262.4); short protein forms Q334H, Q358H.
Identifiers: ClinVar variation 4875061 (VCV004875061.2).

ClinVar aggregate classification (germline): Uncertain significance (1 of 4 stars; one submission).

Submission:

CeGaT Center for Human Genetics Tuebingen
Classification: Uncertain significance. Last evaluated: 2026-05-01. Review status: criteria provided, single submitter. Criteria: CeGaT Center For Human Genetics Tuebingen Variant Classification Criteria Version 2. Collection method: clinical testing. Allele origin: germline. Affected: yes. Observed: 1 variant allele.
Comment: HNRNPK: PM2